The following is an entry in ClinVar:

NM_130839.5(UBE3A):c.810T>A (p.Tyr270Ter)

Genes: SNHG14 (small nucleolar RNA host gene 14; plus strand), UBE3A (ubiquitin protein ligase E3A; minus strand). Cytogenetic location: 15q11.2.
Variant type: single nucleotide variant.
Coding change: c.810T>A on transcript NM_130839.5 (MANE Select); coding-DNA position 810, T replaced by A.
Protein change: p.Tyr270Ter; replaces tyrosine 270 with a stop codon.
Molecular consequence: nonsense. On other transcripts: non-coding transcript variant (1), intron variant (2).
Genome position (GRCh38, 1-based): chr15:25,371,364, A>T on the plus strand (T>A on the coding strand, the complement: UBE3A is on the minus strand). VCF-style: chr15-25371364-A-T. GRCh37 (hg19) VCF-style: chr15-25616511-A-T.
Other names: c.819T>A, p.Tyr273Ter (NM_000462.5); c.810T>A, p.Tyr270Ter (NM_001354505.1, NM_001354538.2, NM_001354545.2); c.750T>A, p.Tyr250Ter (NM_001354506.2, NM_001354507.2, NM_001354508.2 and 17 more transcripts); c.633T>A, p.Tyr211Ter (NM_001354546.2); c.301+4101T>A (NM_001354551.2); c.361+4101T>A (NM_001354550.2); short protein forms Y250*, Y211*, Y270*, Y273*.
Identifiers: ClinVar variation 155941 (VCV000155941.1), dbSNP rs587781190, ClinGen allele CA333294.

ClinVar aggregate classification (germline): Pathogenic (0 of 4 stars; one submission).

Conditions:
Angelman syndrome (AS). Also called: HAPPY PUPPET SYNDROME. Identifiers: Orphanet 72, MedGen C0162635, MONDO:0007113, OMIM 105830. Disease mechanism: loss of function. Inheritance: AS is caused by disruption of maternally imprinted UBE3A located within the 15q11.2-q13 Angelman syndrome/Prader-Willi syndrome (AS/PWS) region., imprinting disorder.

Submission:

Baylor Genetics
Classification: Pathogenic for Angelman Syndrome. Last evaluated: 2014-02-14. Review status: no assertion criteria provided. Collection method: clinical testing. Allele origin: germline. Affected: yes. Observed: 1 variant allele. Study: UBE3A Mutation Study.
Comment: Data collected from clinical UBE3A sequence analysis results

Literature cited by the submitters: PubMed 25212744.